The following is an entry in ClinVar:

NM_001735.3(C5):c.2563-15_2563-14delinsAT

Gene: C5 (complement C5; minus strand). Cytogenetic location: 9q33.2.
Variant type: Indel.
Coding change: c.2563-15_2563-14delinsAT on transcript NM_001735.3 (MANE Select); 15 bases into the intron before coding-DNA position 2563 through 14 bases into the intron before coding-DNA position 2563, TC replaced by AT.
Molecular consequence: intron variant.
Genome position (GRCh38, 1-based): chr9:120,997,788-120,997,789, GA replaced by AT on the plus strand (TC replaced by AT on the coding strand, the reverse complement: C5 is on the minus strand). VCF-style: chr9-120997788-GA-AT. GRCh37 (hg19) VCF-style: chr9-123760066-GA-AT.
Other names: c.2581-15_2581-14delinsAT (NM_001317163.2).
Identifiers: ClinVar variation 1085354 (VCV001085354.11), dbSNP rs2131724100, ClinGen allele CA2499219605.

ClinVar aggregate classification (germline): Benign/Likely benign. Review status: criteria provided, multiple submitters, no conflicts (2 of 4 stars). 3 submissions from 3 submitters: Benign (1); Likely benign (2). Last evaluated 2026-01-30.

Conditions:
Eculizumab, poor response to. Identifiers: MedGen C3810402, OMIM 615749.
Complement component 5 deficiency. Also called: C5 DEFICIENCY. Identifiers: MedGen C0343047, MONDO:0012295, OMIM 609536.

Submissions (3):

Women's Health and Genetics/Laboratory Corporation of America, LabCorp
Classification: Benign. Last evaluated: 2026-01-30. Review status: criteria provided, single submitter. Criteria: LabCorp Variant Classification Summary - May 2015. Collection method: clinical testing. Allele origin: germline.
Comment: Variant summary: C5 c.2563-15_2563-14delinsAT alters a conserved nucleotide located at a position not widely known to affect splicing. Several computational tools predict a significant impact on normal splicing: Three predict the variant weakens a 3' acceptor site. However, these predictions have yet to be confirmed by functional studies. The variant allele was found at a frequency of 0.001 in 281672 control chromosomes, predominantly at a frequency of 0.011 within the African or African-American subpopulation in the gnomAD database, including 1 homozygotes. The observed variant frequency within African or African-American control individuals in the gnomAD database exceeds the estimated maximal expected allele frequency for disease-causing variants in C5. To our knowledge, no occurrence of c.2563-15_2563-14delinsAT in individuals affected with C5-related conditions and no experimental evidence demonstrating its impact on protein function have been reported. ClinVar contains an entry for this variant (Variation ID: 1085354). Based on the evidence outlined above, the variant was classified as benign.

Labcorp Genetics (formerly Invitae), Labcorp
Classification: Likely benign. Last evaluated: 2026-01-09. Review status: criteria provided, single submitter. Criteria: Invitae Variant Classification Sherloc (09022015). Collection method: clinical testing. Allele origin: germline.

Fulgent Genetics
Classification: Likely benign for Complement component 5 deficiency; Eculizumab, poor response to. Last evaluated: 2021-07-16. Review status: criteria provided, single submitter. Criteria: ACMG Guidelines, 2015. Collection method: clinical testing. Allele origin: unknown.